The following is an entry in ClinVar:

NM_002907.4(RECQL):c.1473_1501del (p.Tyr492fs)

Gene: RECQL (RecQ like helicase; minus strand). Cytogenetic location: 12p12.1.
Variant type: Deletion.
Coding change: c.1473_1501del on transcript NM_002907.4 (MANE Select); coding-DNA positions 1473 to 1501, 29 bases deleted (GTACTGCAGAGATCTAATCAAGATCCTGA).
Protein change: p.Tyr492fs; shifts the reading frame from tyrosine 492.
Molecular consequence: frameshift variant.
Genome position (GRCh38, 1-based): chr12:21,471,594-21,471,622, TCAGGATCTTGATTAGATCTCTGCAGTAC deleted on the plus strand (GTACTGCAGAGATCTAATCAAGATCCTGA on the coding strand, the reverse complement: RECQL is on the minus strand); deleting any 29 consecutive bases within chr12:21,471,594-21,471,624 gives the same sequence; the c. name uses the placement nearest the transcript's 3' end. VCF-style (leftmost placement, unchanged base first): chr12-21471593-TTCAGGATCTTGATTAGATCTCTGCAGTAC-T. GRCh37 (hg19) VCF-style: chr12-21624527-TTCAGGATCTTGATTAGATCTCTGCAGTAC-T.
Other names: c.1473_1501del, p.Tyr492fs (NM_032941.3); short protein forms Y492fs.
Identifiers: ClinVar variation 2450946 (VCV002450946.3), dbSNP rs2540322164, ClinGen allele CA2580085256.

ClinVar aggregate classification (germline): Uncertain significance (1 of 4 stars; one submission).

Submission:

Ambry Genetics
Classification: Uncertain significance. Last evaluated: 2024-07-24. Review status: criteria provided, single submitter. Criteria: Ambry Variant Classification Scheme 2023. Collection method: clinical testing. Allele origin: germline.
Comment: The c.1473_1501del29 variant, located in coding exon 12 of the RECQL gene, results from a deletion of 29 nucleotides at nucleotide positions 1473 to 1501, causing a translational frameshift with a predicted alternate stop codon (p.Y492Afs*7). This alteration is expected to result in loss of function by premature protein truncation or nonsense-mediated mRNA decay. The evidence for this gene-disease relationship is limited; therefore, the clinical significance of this alteration is unclear.